The following is an entry in ClinVar:

NM_013339.4(ALG6):c.1400C>T (p.Pro467Leu)

Gene: ALG6 (ALG6 alpha-1,3-glucosyltransferase; plus strand). Cytogenetic location: 1p31.3.
Variant type: single nucleotide variant.
Coding change: c.1400C>T on transcript NM_013339.4 (MANE Select); coding-DNA position 1400, C replaced by T.
Protein change: p.Pro467Leu; replaces proline 467 with leucine.
Molecular consequence: missense variant.
Genome position (GRCh38, 1-based): chr1:63,436,896, C>T. VCF-style: chr1-63436896-C-T. GRCh37 (hg19) VCF-style: chr1-63902567-C-T.
Other names: c.1400C>T, p.Pro467Leu (LRG_1260t1); c.1400C>T (NM_013339.3); short protein forms P467L.
Identifiers: ClinVar variation 598653 (VCV000598653.9), dbSNP rs548994709, ClinGen allele CA888447.

ClinVar aggregate classification (germline): Uncertain significance. Review status: criteria provided, multiple submitters, no conflicts (2 of 4 stars). 3 submissions from 3 submitters: Uncertain significance (3). Last evaluated 2024-12-23.

Conditions:
ALG6-congenital disorder of glycosylation 1C (CDG1C). Also called: Congenital disorder of glycosylation, type Ic; CARBOHYDRATE-DEFICIENT GLYCOPROTEIN SYNDROME, TYPE I, WITH DEFICIENT GLYCOSYLATION OF DOLICHOL-LINKED OLIGOSACCHARIDE; CARBOHYDRATE-DEFICIENT GLYCOPROTEIN SYNDROME, TYPE V; Congenital disorder of glycosylation type 1C; CDG Ic. Identifiers: Orphanet 79320, MedGen C2930997, MONDO:0011291, OMIM 603147.

Allele frequency attached by ClinVar (database versions not stated): ExAC 0.00001; gnomAD 0.00001 and 0.00002; gnomAD exomes 0.00001 and 0.00002; TOPMed 0.00001; 1000 Genomes Project 30x 0.00016; 1000 Genomes Project 0.00020.
gnomAD v4.1: 16 of 1,613,856 alleles (0.00099%); highest among the groups gnomAD compares: Middle Eastern, 0.016%; no homozygotes.

Submissions (3):

Labcorp Genetics (formerly Invitae), Labcorp
Classification: Uncertain significance for ALG6-congenital disorder of glycosylation 1C. Last evaluated: 2024-12-23. Review status: criteria provided, single submitter. Criteria: Invitae Variant Classification Sherloc (09022015). Collection method: clinical testing. Allele origin: germline.
Comment: This sequence change replaces proline, which is neutral and non-polar, with leucine, which is neutral and non-polar, at codon 467 of the ALG6 protein (p.Pro467Leu). This variant is present in population databases (rs548994709, gnomAD 0.01%). This variant has not been reported in the literature in individuals affected with ALG6-related conditions. ClinVar contains an entry for this variant (Variation ID: 598653). Invitae Evidence Modeling of protein sequence and biophysical properties (such as structural, functional, and spatial information, amino acid conservation, physicochemical variation, residue mobility, and thermodynamic stability) indicates that this missense variant is expected to disrupt ALG6 protein function with a positive predictive value of 80%. In summary, the available evidence is currently insufficient to determine the role of this variant in disease. Therefore, it has been classified as a Variant of Uncertain Significance.

GeneDx
Classification: Uncertain significance. Last evaluated: 2024-12-04. Review status: criteria provided, single submitter. Criteria: GeneDx Variant Classification Process June 2021. Collection method: clinical testing. Allele origin: germline. Affected: yes.
Comment: Not observed at significant frequency in large population cohorts (gnomAD); In silico analysis supports that this missense variant has a deleterious effect on protein structure/function; Has not been previously published as pathogenic or benign to our knowledge

Eurofins Ntd Llc (ga)
Classification: Uncertain significance. Last evaluated: 2018-09-05. Review status: criteria provided, single submitter. Criteria: EGL ClinVar v180209 classification definitions. Collection method: clinical testing. Allele origin: germline. Observed: 1 variant allele, 1 heterozygote.